The following is an entry in ClinVar:

ClinVar aggregate classification (germline): Uncertain significance. Review status: criteria provided, multiple submitters, no conflicts (2 of 4 stars). 2 submissions from 2 submitters: Uncertain significance (2). Last evaluated 2023-10-03.

Conditions:
Peroxisome biogenesis disorder 10A (Zellweger). Also called: Peroxisome biogenesis disorder 10A. Identifiers: Orphanet 912, MedGen C3553999, MONDO:0013948, OMIM 614882.

Allele frequency attached by ClinVar (database versions not stated): gnomAD exomes below 0.00001 and 0.00001; ExAC 0.00001; TOPMed 0.00001.
gnomAD v4.1: 1 of 1,557,298 alleles (0.000064%); highest among the groups gnomAD compares: South Asian, 0.0011%; no homozygotes.

Submissions (2):

Labcorp Genetics (formerly Invitae), Labcorp
Classification: Uncertain significance. Last evaluated: 2023-10-03. Review status: criteria provided, single submitter. Criteria: Invitae Variant Classification Sherloc (09022015). Collection method: clinical testing. Allele origin: germline.
Comment: This sequence change replaces methionine, which is neutral and non-polar, with isoleucine, which is neutral and non-polar, at codon 270 of the PEX3 protein (p.Met270Ile). This variant is present in population databases (rs747026967, gnomAD 0.002%). This variant has not been reported in the literature in individuals affected with PEX3-related conditions. ClinVar contains an entry for this variant (Variation ID: 907773). Advanced modeling of protein sequence and biophysical properties (such as structural, functional, and spatial information, amino acid conservation, physicochemical variation, residue mobility, and thermodynamic stability) performed at Invitae indicates that this missense variant is not expected to disrupt PEX3 protein function. In summary, the available evidence is currently insufficient to determine the role of this variant in disease. Therefore, it has been classified as a Variant of Uncertain Significance.

Illumina Laboratory Services, Illumina
Classification: Uncertain significance for Peroxisome biogenesis disorder 10A (Zellweger). Last evaluated: 2018-01-13. Review status: criteria provided, single submitter. Criteria: ICSL Variant Classification Criteria 13 December 2019. Collection method: clinical testing. Allele origin: germline.

NM_003630.3(PEX3):c.810G>A (p.Met270Ile)

Gene: PEX3 (peroxisomal biogenesis factor 3; plus strand). Cytogenetic location: 6q24.2.
Variant type: single nucleotide variant.
Coding change: c.810G>A on transcript NM_003630.3 (MANE Select); coding-DNA position 810, G replaced by A.
Protein change: p.Met270Ile; replaces methionine 270 with isoleucine.
Molecular consequence: missense variant.
Genome position (GRCh38, 1-based): chr6:143,474,848, G>A. VCF-style: chr6-143474848-G-A. GRCh37 (hg19) VCF-style: chr6-143795985-G-A.
Other names: short protein forms M270I.
Identifiers: ClinVar variation 907773 (VCV000907773.8), dbSNP rs747026967, ClinGen allele CA4029677.